The following is an entry in ClinVar:

ClinVar aggregate classification (germline): Likely benign (0 of 4 stars; one submission).

Conditions:
ATXN1-related disorder. Also called: ATXN1-related condition.

Allele frequency attached by ClinVar (database versions not stated): gnomAD exomes 0.00003; ExAC 0.00004; gnomAD 0.00004; TOPMed 0.00006.
gnomAD v4.1: 56 of 1,613,456 alleles (0.0035%); highest among the groups gnomAD compares: Middle Eastern, 0.016%; no homozygotes.

Submission:

PreventionGenetics, part of Exact Sciences
Classification: Likely benign for ATXN1-related condition. Last evaluated: 2019-08-22. Review status: no assertion criteria provided. Collection method: clinical testing. Allele origin: germline.
Comment: This variant is classified as likely benign based on ACMG/AMP sequence variant interpretation guidelines (Richards et al. 2015 PMID: 25741868, with internal and published modifications).

NM_001128164.2(ATXN1):c.318C>T (p.Tyr106=)

Gene: ATXN1 (ataxin 1; minus strand). Cytogenetic location: 6p22.3.
Variant type: single nucleotide variant.
Coding change: c.318C>T on transcript NM_001128164.2 (MANE Select); coding-DNA position 318, C replaced by T.
Protein change: p.Tyr106=; no amino-acid change (tyrosine 106 retained).
Molecular consequence: synonymous variant. On other transcripts: missense variant (1).
Genome position (GRCh38, 1-based): chr6:16,327,993, G>A on the plus strand (C>T on the coding strand, the complement: ATXN1 is on the minus strand). VCF-style: chr6-16327993-G-A. GRCh37 (hg19) VCF-style: chr6-16328224-G-A.
Other names: c.318C>T, p.Tyr106= (NM_000332.4); c.289C>T, p.Arg97Cys (NM_001357857.2); short protein forms R97C.
Identifiers: ClinVar variation 3052634 (VCV003052634.2), dbSNP rs777923390, ClinGen allele CA3645658.